The following is an entry in ClinVar:

ClinVar aggregate classification (germline): Benign. Review status: reviewed by expert panel (3 of 4 stars). 2 submissions from 2 submitters: Benign (1). 1 of the submissions does not count toward it. Last evaluated 2015-01-12.

Conditions:
Breast-ovarian cancer, familial, susceptibility to, 2 (BROVCA2). Also called: BRCA2 Hereditary Breast and Ovarian Cancer. Identifiers: Orphanet 145, MedGen C2675520, MONDO:0012933, OMIM 612555. Disease mechanism: loss of function.

Allele frequency attached by ClinVar (database versions not stated): 1000 Genomes Project 0.97424; TOPMed 0.97595; gnomAD 0.97677 and 0.97804.
gnomAD v4.1: 148,880 of 152,188 alleles (98%); highest among the groups gnomAD compares: East Asian, 100%; 72,903 homozygotes.

Submissions (2):

Evidence-based Network for the Interpretation of Germline Mutant Alleles (ENIGMA)
Classification: Benign for Breast-ovarian cancer, familial 2. Last evaluated: 2015-01-12. Review status: reviewed by expert panel. Criteria: ENIGMA BRCA1/2 Classification Criteria (2015). Collection method: curation. Allele origin: germline.
Comment: Class 1 not pathogenic based on frequency >1% in an outbred sampleset. Frequency 0.8902 (African), derived from 1000 genomes (2012-04-30).

Breakthrough Genomics
Classification: Benign. Review status: criteria provided, single submitter. Criteria: ACMG Guidelines, 2015. Collection method: not provided. Allele origin: germline. Inheritance: Autosomal recessive inheritance. Affected: yes. Not counted in ClinVar's aggregate classification.

NM_000059.4(BRCA2):c.68-997C>T

Gene: BRCA2 (BRCA2 DNA repair associated; plus strand). Cytogenetic location: 13q13.1.
Variant type: single nucleotide variant.
Coding change: c.68-997C>T on transcript NM_000059.4 (MANE Select); 997 bases into the intron before coding-DNA position 68, C replaced by T.
Molecular consequence: intron variant.
Genome position (GRCh38, 1-based): chr13:32,318,080, C>T. VCF-style: chr13-32318080-C-T. GRCh37 (hg19) VCF-style: chr13-32892217-C-T.
Other names: IVS 2-997C>T.
Identifiers: ClinVar variation 209931 (VCV000209931.2), dbSNP rs206121, ClinGen allele CA276898.